The following is an entry in ClinVar:

NM_001372106.1(DNAH10):c.5698G>T (p.Glu1900Ter)

Gene: DNAH10 (dynein axonemal heavy chain 10; plus strand). Cytogenetic location: 12q24.31.
Variant type: single nucleotide variant.
Coding change: c.5698G>T on transcript NM_001372106.1 (MANE Select); coding-DNA position 5698, G replaced by T.
Protein change: p.Glu1900Ter; replaces glutamic acid 1900 with a stop codon.
Molecular consequence: nonsense.
Genome position (GRCh38, 1-based): chr12:123,846,038, G>T. VCF-style: chr12-123846038-G-T. GRCh37 (hg19) VCF-style: chr12-124330585-G-T.
Other names: c.5344G>T, p.Glu1782Ter (NM_207437.3); short protein forms E1782*, E1900*.
Identifiers: ClinVar variation 4987628 (VCV004987628.1).

ClinVar aggregate classification (germline): Likely pathogenic (1 of 4 stars; one submission).

Conditions:
DNAH10-related disorder. Also called: DNAH10-related condition.

gnomAD v4.1: 2 of 1,614,052 alleles (0.00012%); highest among the groups gnomAD compares: Non-Finnish European, 0.00017%; no homozygotes.

Submission:

PreventionGenetics, part of Exact Sciences
Classification: Likely pathogenic for DNAH10-related condition. Last evaluated: 2026-07-30. Review status: criteria provided, single submitter. Criteria: ACMG Guidelines, 2015. Collection method: clinical testing. Allele origin: germline.
Comment: The DNAH10 c.5344G>T variant is predicted to result in premature protein termination (p.Glu1782*). To our knowledge, this variant has not been reported in the literature. This variant is reported in 0.00088% of alleles in individuals of European (Non-Finnish) descent in gnomAD. Nonsense variants in DNAH10 are expected to be pathogenic. This variant is interpreted as likely pathogenic.